The following is an entry in ClinVar:

NM_000465.4(BARD1):c.367T>A (p.Leu123Met)

Gene: BARD1 (BRCA1 associated RING domain 1; minus strand). Cytogenetic location: 2q35.
Variant type: single nucleotide variant.
Coding change: c.367T>A on transcript NM_000465.4 (MANE Select); coding-DNA position 367, T replaced by A.
Protein change: p.Leu123Met; replaces leucine 123 with methionine.
Molecular consequence: missense variant. On other transcripts: non-coding transcript variant (2), intron variant (3).
Genome position (GRCh38, 1-based): chr2:214,781,507, A>T on the plus strand (T>A on the coding strand, the complement: BARD1 is on the minus strand). VCF-style: chr2-214781507-A-T. GRCh37 (hg19) VCF-style: chr2-215646231-A-T.
Other names: c.310T>A, p.Leu104Met (NM_001282543.2); c.158+27905T>A (NM_001282548.2); c.215+15554T>A (NM_001282545.2); c.364+10790T>A (NM_001282549.2); short protein forms L123M, L104M.
Identifiers: ClinVar variation 481368 (VCV000481368.15), dbSNP rs1553622731, ClinGen allele CA350458410.

ClinVar aggregate classification (germline): Uncertain significance. Review status: criteria provided, multiple submitters, no conflicts (2 of 4 stars). 2 submissions from 2 submitters: Uncertain significance (2). Last evaluated 2020-01-14.

Conditions:
Familial cancer of breast. Also called: BREAST CANCER, FAMILIAL; Hereditary breast cancer; hereditary breast carcinoma. Identifiers: Orphanet 227535, MedGen C0346153, MONDO:0016419, OMIM 114480. Disease mechanism: loss of function.
Hereditary cancer-predisposing syndrome. Also called: Hereditary Cancer Syndrome; Neoplastic Syndromes, Hereditary; Tumor predisposition; Hereditary neoplastic syndrome. Identifiers: Orphanet 140162, MedGen C0027672, MeSH D009386, MONDO:0015356.

Submissions (2):

Labcorp Genetics (formerly Invitae), Labcorp
Classification: Uncertain significance for Familial cancer of breast. Last evaluated: 2020-01-14. Review status: criteria provided, single submitter. Criteria: Invitae Variant Classification Sherloc (09022015). Collection method: clinical testing. Allele origin: germline.
Comment: This sequence change replaces leucine with methionine at codon 123 of the BARD1 protein (p.Leu123Met). The leucine residue is weakly conserved and there is a small physicochemical difference between leucine and methionine. This variant is not present in population databases (ExAC no frequency). This variant has not been reported in the literature in individuals with BARD1-related conditions. ClinVar contains an entry for this variant (Variation ID: 481368). Algorithms developed to predict the effect of missense changes on protein structure and function output the following: SIFT: "Tolerated"; PolyPhen-2: "Benign"; Align-GVGD: "Class C0". The methionine amino acid residue is found in multiple mammalian species, suggesting that this missense change does not adversely affect protein function. These predictions have not been confirmed by published functional studies and their clinical significance is uncertain. In summary, the available evidence is currently insufficient to determine the role of this variant in disease. Therefore, it has been classified as a Variant of Uncertain Significance.

Ambry Genetics
Classification: Uncertain significance for Hereditary cancer-predisposing syndrome. Last evaluated: 2016-01-27. Review status: criteria provided, single submitter. Criteria: Ambry Variant Classification Scheme 2023. Collection method: clinical testing. Allele origin: germline.
Comment: The p.L123M variant (also known as c.367T>A), located in coding exon 4 of the BARD1 gene, results from a T to A substitution at nucleotide position 367. The leucine at codon 123 is replaced by methionine, an amino acid with highly similar properties. This variant was not reported in population based cohorts in the following databases: Database of Single Nucleotide Polymorphisms (dbSNP), NHLBI Exome Sequencing Project (ESP), and 1000 Genomes Project. In the ESP, this variant was not observed in 6470 samples (12940 alleles) with coverage at this position. To date, this alteration has been detected with an allele frequency of approximately 0.001% (greater than 120000 alleles tested) in our clinical cohort. This amino acid position is poorly conserved in available vertebrate species. In addition, this alteration is predicted to be tolerated by in silico analysis. Since supporting evidence is limited at this time, the clinical significance of this alteration remains unclear.